The following is an entry in ClinVar:

NM_001378454.1(ALMS1):c.1216C>T (p.Gln406Ter)

Gene: ALMS1 (ALMS1 centrosome and basal body associated protein; plus strand). Cytogenetic location: 2p13.1.
Variant type: single nucleotide variant.
Coding change: c.1216C>T on transcript NM_001378454.1 (MANE Select); coding-DNA position 1216, C replaced by T.
Protein change: p.Gln406Ter; replaces glutamine 406 with a stop codon.
Molecular consequence: nonsense.
Genome position (GRCh38, 1-based): chr2:73,424,881, C>T. VCF-style: chr2-73424881-C-T. GRCh37 (hg19) VCF-style: chr2-73652009-C-T.
Other names: c.1219C>T, p.Gln407Ter (NM_015120.4); short protein forms Q406*, Q407*.
Identifiers: ClinVar variation 4815769 (VCV004815769.1).

ClinVar aggregate classification (germline): Likely pathogenic (1 of 4 stars; one submission).

Conditions:
Alstrom syndrome (ALMS). Identifiers: Orphanet 64, MedGen C0268425, MONDO:0008763, OMIM 203800.

gnomAD v4.1: 1 of 1,602,048 alleles (0.000062%); highest among the groups gnomAD compares: Non-Finnish European, 0.000085%; no homozygotes.

Submission:

Natera, Inc.
Classification: Likely pathogenic for Alstrom syndrome. Last evaluated: 2024-11-04. Review status: criteria provided, single submitter. Criteria: Natera Variant Classification Schema (03/2026). Collection method: clinical testing. Allele origin: germline.
Comment: The c.1219C>T variant in ALMS1 is a nonsense variant predicted to introduce a stop codon at amino acid 407. This variant is expected to result in nonsense mediated decay, truncation, or a dysfunctional protein product. This variant is rare in the general population with a frequency below the threshold expected for the associated phenotype(s). Given the available evidence, this variant is classified as Likely Pathogenic.